The following is an entry in ClinVar:

ClinVar aggregate classification (germline): Pathogenic (1 of 4 stars; one submission).

Conditions:
Developmental and epileptic encephalopathy, 11 (DEE11). Also called: Early infantile epileptic encephalopathy 11. Identifiers: Orphanet 1934, MedGen C3150987, MONDO:0013388, OMIM 613721.
Seizures, benign familial infantile, 3 (BFIS3). Also called: CONVULSIONS, BENIGN FAMILIAL INFANTILE, 3; Familial neonatal seizures. Identifiers: Orphanet 140927, Orphanet 306, MedGen C1843140, MONDO:0011904, OMIM 607745.

Submission:

Labcorp Genetics (formerly Invitae), Labcorp
Classification: Pathogenic for Seizures, benign familial infantile, 3; Developmental and epileptic encephalopathy, 11. Last evaluated: 2025-07-07. Review status: criteria provided, single submitter. Criteria: Invitae Variant Classification Sherloc (09022015). Collection method: clinical testing. Allele origin: germline.
Comment: This sequence change replaces glutamine, which is neutral and polar, with arginine, which is basic and polar, at codon 1510 of the SCN2A protein (p.Gln1510Arg). This variant is not present in population databases (gnomAD no frequency). This missense change has been observed in individual(s) with clinical features of SCN2A-related conditions (internal data). In at least one individual the variant was observed to be de novo. Invitae Evidence Modeling of protein sequence and biophysical properties (such as structural, functional, and spatial information, amino acid conservation, physicochemical variation, residue mobility, and thermodynamic stability) indicates that this missense variant is expected to disrupt SCN2A protein function with a positive predictive value of 95%. For these reasons, this variant has been classified as Pathogenic.

NM_001040142.2(SCN2A):c.4529A>G (p.Gln1510Arg)

Gene: SCN2A (sodium voltage-gated channel alpha subunit 2; plus strand). Cytogenetic location: 2q24.3.
Variant type: single nucleotide variant.
Coding change: c.4529A>G on transcript NM_001040142.2 (MANE Select); coding-DNA position 4529, A replaced by G.
Protein change: p.Gln1510Arg; replaces glutamine 1510 with arginine.
Molecular consequence: missense variant.
Genome position (GRCh38, 1-based): chr2:165,381,175, A>G. VCF-style: chr2-165381175-A-G. GRCh37 (hg19) VCF-style: chr2-166237685-A-G.
Other names: c.4529A>G, p.Gln1510Arg (NM_001040143.2, NM_001371246.1, NM_001371247.1 and 1 more transcripts); short protein forms Q1510R.
Identifiers: ClinVar variation 4783611 (VCV004783611.1).
Genomic context (GRCh38, chr2:165,381,175, plus strand): 5'-TGACAGAAGAACAGAAGAAATACTACAATGCAATGAAAAAACTGGGTTCAAAGAAACCAC[A>G]AAAACCCATACCTCGACCTGCTGTAAGAATAACATATTTTCATTGCCTGTTAAAACTATA-3'
Protein context (NP_001035232.1, residues 1500-1520): AMKKLGSKKP[Gln1510Arg]KPIPRPANKF